The following is an entry in ClinVar:

NM_000179.3(MSH6):c.4050C>T (p.Val1350=)

Gene: MSH6 (mutS homolog 6; plus strand). Cytogenetic location: 2p16.3.
Variant type: single nucleotide variant.
Coding change: c.4050C>T on transcript NM_000179.3 (MANE Select); coding-DNA position 4050, C replaced by T.
Protein change: p.Val1350=; no amino-acid change (valine 1350 retained).
Molecular consequence: synonymous variant.
Genome position (GRCh38, 1-based): chr2:47,806,827, C>T. VCF-style: chr2-47806827-C-T. GRCh37 (hg19) VCF-style: chr2-48033966-C-T.
Other names: c.3660C>T, p.Val1220= (NM_001281492.2); c.3144C>T, p.Val1048= (NM_001281493.2, NM_001281494.2).
Identifiers: ClinVar variation 389520 (VCV000389520.2), dbSNP rs1057523455, ClinGen allele CA16604209.

ClinVar aggregate classification (germline): Benign/Likely benign. Review status: criteria provided, multiple submitters, no conflicts (2 of 4 stars). 2 submissions from 2 submitters: Benign (1); Likely benign (1). Last evaluated 2025-01-09.

Conditions:
Lynch syndrome 5 (LYNCH5). Also called: Colorectal cancer, hereditary nonpolyposis, type 5; Hereditary non-polyposis colorectal cancer, type 5. Identifiers: Orphanet 144, MedGen C1833477, MONDO:0013710, OMIM 614350. Disease mechanism: loss of function.

Submissions (2):

Myriad Genetics, Inc.
Classification: Benign for Lynch syndrome 5. Last evaluated: 2025-01-09. Review status: criteria provided, single submitter. Criteria: Myriad Autosomal Dominant, Autosomal Recessive and X-Linked Classification Criteria (2023). Collection method: clinical testing. Allele origin: unknown.
Comment: This variant is considered benign. This variant is a silent/synonymous amino acid change and it is not expected to impact splicing.

GeneDx
Classification: Likely benign. Last evaluated: 2016-09-21. Review status: criteria provided, single submitter. Criteria: GeneDx Variant Classification (06012015). Collection method: clinical testing. Allele origin: germline. Affected: yes.
Comment: This variant is considered likely benign or benign based on one or more of the following criteria: it is a conservative change, it occurs at a poorly conserved position in the protein, it is predicted to be benign by multiple in silico algorithms, and/or has population frequency not consistent with disease.